The following is an entry in ClinVar:

NM_001375567.1(FOCAD):c.1296T>C (p.Ser432=)

Gene: FOCAD (focadhesin; plus strand). Cytogenetic location: 9p21.3.
Variant type: single nucleotide variant.
Coding change: c.1296T>C on transcript NM_001375567.1 (MANE Select); coding-DNA position 1296, T replaced by C.
Protein change: p.Ser432=; no amino-acid change (serine 432 retained).
Molecular consequence: synonymous variant.
Genome position (GRCh38, 1-based): chr9:20,789,449, T>C. VCF-style: chr9-20789449-T-C. GRCh37 (hg19) VCF-style: chr9-20789448-T-C.
Other names: c.1296T>C, p.Ser432= (NM_001375568.1, NM_017794.5); c.1191T>C, p.Ser397= (NM_001375570.1).
Identifiers: ClinVar variation 3051999 (VCV003051999.4), dbSNP rs936391143, ClinGen allele CA190563965.
Genomic context (GRCh38, chr9:20,789,449, plus strand): 5'-TGGTACAATATTTACAGCCTGGAGGATTCTTGAAGTAATGACAGACTCGTCTGCTGCAAG[T>C]GACTGGTTGGCTTCAGTAGAGTCATTGCTTCCTATTACTGCTGTGATCCCTGCGCCTGCC-3'
Protein context (NP_001362496.1, residues 422-442): LEVMTDSSAA[Ser432=]DWLASVESLL

ClinVar aggregate classification (germline): Uncertain significance. Review status: criteria provided, single submitter (1 of 4 stars). 2 submissions from 2 submitters: Uncertain significance (1). 1 of the submissions does not count toward it. Last evaluated 2024-10-30.

Conditions:
FOCAD-related disorder. Also called: FOCAD-related condition.

Allele frequency attached by ClinVar (database versions not stated): gnomAD exomes 0.00001; gnomAD 0.00002; TOPMed 0.00002.
gnomAD v4.1: 13 of 1,613,946 alleles (0.00081%); highest among the groups gnomAD compares: Admixed American, 0.0083%; no homozygotes.

Submissions (2):

Labcorp Genetics (formerly Invitae), Labcorp
Classification: Uncertain significance. Last evaluated: 2024-10-30. Review status: criteria provided, single submitter. Criteria: Invitae Variant Classification Sherloc (09022015). Collection method: clinical testing. Allele origin: germline.
Comment: This sequence change affects codon 432 of the FOCAD mRNA. It is a 'silent' change, meaning that it does not change the encoded amino acid sequence of the FOCAD protein. This variant is present in population databases (no rsID available, gnomAD 0.0009%). This variant has not been reported in the literature in individuals affected with FOCAD-related conditions. ClinVar contains an entry for this variant (Variation ID: 3051999). Experimental studies and prediction algorithms are not available or were not evaluated, and the effect of this variant on mRNA splicing is currently unknown. In summary, the available evidence is currently insufficient to determine the role of this variant in disease. Therefore, it has been classified as a Variant of Uncertain Significance.

PreventionGenetics, part of Exact Sciences
Classification: Likely benign for FOCAD-related condition. Last evaluated: 2020-01-17. Review status: no assertion criteria provided. Collection method: clinical testing. Allele origin: germline. Not counted in ClinVar's aggregate classification.
Comment: This variant is classified as likely benign based on ACMG/AMP sequence variant interpretation guidelines (Richards et al. 2015 PMID: 25741868, with internal and published modifications).